The following is an entry in ClinVar:

ClinVar aggregate classification (germline): Uncertain significance (1 of 4 stars; one submission).

Conditions:
Dyskeratosis congenita. Identifiers: Orphanet 1775, MedGen C0265965, MONDO:0015780.

Submission:

Labcorp Genetics (formerly Invitae), Labcorp
Classification: Uncertain significance for Dyskeratosis congenita. Last evaluated: 2026-02-02. Review status: criteria provided, single submitter. Criteria: Invitae Variant Classification Sherloc (09022015). Collection method: clinical testing. Allele origin: germline.
Comment: This sequence change replaces lysine, which is basic and polar, with asparagine, which is neutral and polar, at codon 76 of the NHP2 protein (p.Lys76Asn). This variant is not present in population databases (gnomAD no frequency). This variant has not been reported in the literature in individuals affected with NHP2-related conditions. ClinVar contains an entry for this variant (Variation ID: 1396507). An algorithm developed to predict the effect of missense changes on protein structure and function (PolyPhen-2) suggests that this variant is likely to be disruptive. In summary, the available evidence is currently insufficient to determine the role of this variant in disease. Therefore, it has been classified as a Variant of Uncertain Significance.

NM_017838.4(NHP2):c.228A>C (p.Lys76Asn)

Gene: NHP2 (NHP2 ribonucleoprotein; minus strand). Cytogenetic location: 5q35.3.
Variant type: single nucleotide variant.
Coding change: c.228A>C on transcript NM_017838.4 (MANE Select); coding-DNA position 228, A replaced by C.
Protein change: p.Lys76Asn; replaces lysine 76 with asparagine.
Molecular consequence: missense variant.
Genome position (GRCh38, 1-based): chr5:178,153,493, T>G on the plus strand (A>C on the coding strand, the complement: NHP2 is on the minus strand). VCF-style: chr5-178153493-T-G. GRCh37 (hg19) VCF-style: chr5-177580494-T-G.
Other names: c.228A>C, p.Lys76Asn (NM_001034833.2); short protein forms K76N.
Identifiers: ClinVar variation 1396507 (VCV001396507.8), dbSNP rs2113475874, ClinGen allele CA362392305.